The following is an entry in ClinVar:

NM_000384.3(APOB):c.3346G>C (p.Glu1116Gln)

Gene: APOB (apolipoprotein B; minus strand). Cytogenetic location: 2p24.1.
Variant type: single nucleotide variant.
Coding change: c.3346G>C on transcript NM_000384.3 (MANE Select); coding-DNA position 3346, G replaced by C.
Protein change: p.Glu1116Gln; replaces glutamic acid 1116 with glutamine.
Molecular consequence: missense variant.
Genome position (GRCh38, 1-based): chr2:21,015,532, C>G on the plus strand (G>C on the coding strand, the complement: APOB is on the minus strand). VCF-style: chr2-21015532-C-G. GRCh37 (hg19) VCF-style: chr2-21238404-C-G.
Other names: short protein forms E1116Q.
Identifiers: ClinVar variation 2613800 (VCV002613800.3), dbSNP rs1324395284, ClinGen allele CA346009281.

ClinVar aggregate classification (germline): Uncertain significance (1 of 4 stars; one submission).

Conditions:
Cardiovascular phenotype. Identifiers: MedGen CN230736.

Submission:

Ambry Genetics
Classification: Uncertain significance for Cardiovascular phenotype. Last evaluated: 2026-09-11. Review status: criteria provided, single submitter. Criteria: Ambry Variant Classification Scheme 2023. Collection method: clinical testing. Allele origin: germline.
Comment: The p.E1116Q variant (also known as c.3346G>C), located in coding exon 22 of the APOB gene, results from a G to C substitution at nucleotide position 3346. The glutamic acid at codon 1116 is replaced by glutamine, an amino acid with highly similar properties. This amino acid position is conserved. In addition, this alteration is predicted to be tolerated by in silico analysis. Based on the available evidence, the clinical significance of this variant remains unclear.